The following is an entry in ClinVar:

NM_000157.4(GBA1):c.762-1G>A

Genes: GBA1 (glucosylceramidase beta 1; minus strand), LOC106627981 (GBA recombination region; plus strand). Cytogenetic location: 1q22.
Variant type: single nucleotide variant.
Coding change: c.762-1G>A on transcript NM_000157.4 (MANE Select); the canonical splice acceptor site of the intron before coding-DNA position 762, G replaced by A.
Molecular consequence: splice acceptor variant.
Genome position (GRCh38, 1-based): chr1:155,237,579, C>T on the plus strand (G>A on the coding strand, the complement: GBA1 is on the minus strand). VCF-style: chr1-155237579-C-T. GRCh37 (hg19) VCF-style: chr1-155207370-C-T.
Other names: c.501-1G>A (NM_001171811.2); c.762-1G>A (NM_001005742.3, NM_001005741.3); c.615-1G>A (NM_001171812.2).
Identifiers: ClinVar variation 4817808 (VCV004817808.1).
Genomic context (GRCh38, chr1:155,237,579, plus strand): 5'-TCATTTTCAGCTGTCACTGCCCAGAACTGTAACTTGTGCTCAGCATAGGCATCCAGGAAC[C>T]TGGCAAGAGAAAGGTCATGAATGATCCGGCCAAGAAAGTGGACCAGACCAGCTGGGTGTG-3'

ClinVar aggregate classification (germline): Pathogenic (1 of 4 stars; one submission).

Conditions:
Gaucher disease. Also called: Acute cerebral Gaucher disease; Cerebroside lipidosis syndrome; Gaucher splenomegaly; Sphingolipidosis 1; Glucocerebrosidosis; Glucosylceramidase deficiency. Identifiers: Orphanet 355, MedGen C0017205, MONDO:0018150.

Submission:

Natera, Inc.
Classification: Pathogenic for Gaucher disease. Last evaluated: 2025-05-20. Review status: criteria provided, single submitter. Criteria: Natera Variant Classification Schema (03/2026). Collection method: clinical testing. Allele origin: germline.
Comment: The c.762-1G>A variant in GBA1 is a canonical splice acceptor site variant predicted to affect pre-mRNA splicing, which may result in an abnormal transcript and altered protein product. This variant is expected to result in nonsense mediated decay, truncation, or a dysfunctional protein product. This variant is rare in the general population with a frequency below the threshold expected for the associated phenotype(s). Another variant at this same site results in an alteration predicted to cause a similar molecular effect has been observed in individual(s) with the associated phenotype. Given the available evidence, this variant is classified as Pathogenic.